The following is an entry in ClinVar:

ClinVar aggregate classification (germline): Uncertain significance (1 of 4 stars; one submission).

Conditions:
Peroxisome biogenesis disorder 3A (Zellweger). Also called: PEROXISOMAL BIOGENESIS DISORDER 3A (ZELLWEGER); Peroxisome biogenesis disorder 3A. Identifiers: Orphanet 912, MedGen C3553929, MONDO:0013927, OMIM 614859.

Submission:

Labcorp Genetics (formerly Invitae), Labcorp
Classification: Uncertain significance for Peroxisome biogenesis disorder 3A (Zellweger). Last evaluated: 2021-08-27. Review status: criteria provided, single submitter. Criteria: Invitae Variant Classification Sherloc (09022015). Collection method: clinical testing. Allele origin: germline.
Comment: This sequence change replaces tyrosine with histidine at codon 125 of the PEX12 protein (p.Tyr125His). The tyrosine residue is highly conserved and there is a moderate physicochemical difference between tyrosine and histidine. This variant is not present in population databases (ExAC no frequency). This variant has not been reported in the literature in individuals affected with PEX12-related conditions. Algorithms developed to predict the effect of missense changes on protein structure and function (SIFT, PolyPhen-2, Align-GVGD) all suggest that this variant is likely to be disruptive. In summary, the available evidence is currently insufficient to determine the role of this variant in disease. Therefore, it has been classified as a Variant of Uncertain Significance.

NM_000286.3(PEX12):c.373T>C (p.Tyr125His)

Gene: PEX12 (peroxisomal biogenesis factor 12; minus strand). Cytogenetic location: 17q12.
Variant type: single nucleotide variant.
Coding change: c.373T>C on transcript NM_000286.3 (MANE Select); coding-DNA position 373, T replaced by C.
Protein change: p.Tyr125His; replaces tyrosine 125 with histidine.
Molecular consequence: missense variant.
Genome position (GRCh38, 1-based): chr17:35,577,345, A>G on the plus strand (T>C on the coding strand, the complement: PEX12 is on the minus strand). VCF-style: chr17-35577345-A-G. GRCh37 (hg19) VCF-style: chr17-33904364-A-G.
Other names: short protein forms Y125H.
Identifiers: ClinVar variation 1447726 (VCV001447726.5), dbSNP rs2142230828, ClinGen allele CA399138271.